The following is an entry in ClinVar:

ClinVar aggregate classification (germline): Likely pathogenic (1 of 4 stars; one submission).

Conditions:
Retinitis pigmentosa 11 (RP11). Identifiers: Orphanet 791, MedGen C1838601, MONDO:0010828, OMIM 600138.

Submission:

Ocular Genomics Institute, Massachusetts Eye and Ear
Classification: Likely pathogenic for Retinitis pigmentosa 11. Last evaluated: 2021-04-08. Review status: criteria provided, single submitter. Criteria: ACMG Guidelines, 2015. Collection method: research. Allele origin: germline. Affected: yes.
Comment: Through a review of available evidence we were able to apply the following criteria: PVS1, PM2. Based on this evidence we have classified this variant as Likely Pathogenic.

NM_015629.4(PRPF31):c.136del (p.Asp46fs)

Gene: PRPF31 (pre-mRNA processing factor 31; plus strand). Cytogenetic location: 19q13.42.
Variant type: Deletion.
Coding change: c.136del on transcript NM_015629.4 (MANE Select); coding-DNA position 136, one base deleted (G; older notation c.136delG).
Protein change: p.Asp46fs; shifts the reading frame from aspartic acid 46.
Molecular consequence: frameshift variant.
Genome position (GRCh38, 1-based): chr19:54,118,414, G deleted; the last of 4 consecutive G bases (chr19:54,118,411-54,118,414); deleting any one gives the same sequence. VCF-style (leftmost placement, unchanged base first): chr19-54118410-CG-C. GRCh37 (hg19) VCF-style: chr19-54621790-CG-C.
Other names: short protein forms D46fs.
Identifiers: ClinVar variation 1065653 (VCV001065653.1), dbSNP rs2146393019, ClinGen allele CA2499225587.
Genomic context (GRCh38, chr19:54,118,410, plus strand): 5'-GGAGGAAGAAGAGGAGCCAGCGATCGAGGATGTGCAGGAGGAGACACAGCTGGATCTTTC[CG>C]GGGATTCAGTCAAGACCATCGCCAAGCTATGGGATAGTAAGATGGTAAGAGGACAAGAGG-3'